The following is an entry in ClinVar:

NM_000329.3(RPE65):c.289dup (p.Arg97fs)

Gene: RPE65 (retinoid isomerohydrolase RPE65; minus strand). Cytogenetic location: 1p31.3.
Variant type: Duplication.
Coding change: c.289dup on transcript NM_000329.3 (MANE Select); coding-DNA position 289, one base duplicated (A; older notation c.289dupA).
Protein change: p.Arg97fs; shifts the reading frame from arginine 97.
Molecular consequence: frameshift variant. On other transcripts: intron variant (1).
Genome position (GRCh38, 1-based): chr1:68,444,840, T duplicated on the plus strand (A on the coding strand, the reverse complement: RPE65 is on the minus strand); the first of 4 consecutive T bases (chr1:68,444,840-68,444,843); duplicating any one gives the same sequence. VCF-style (leftmost placement, unchanged base first): chr1-68444839-C-CT. GRCh37 (hg19) VCF-style: chr1-68910522-C-CT.
Other names: c.13dup, p.Arg5fs (NM_001406856.1, NM_001406857.1); c.289dup, p.Arg97fs (NM_001406859.1, NM_001406860.1); c.246-168dup (NM_001406853.1); short protein forms R5fs, R97fs.
Identifiers: ClinVar variation 5011910 (VCV005011910.1).

ClinVar aggregate classification (germline): Pathogenic (1 of 4 stars; one submission).

Conditions:
RPE65-related recessive retinopathy. Also called: Recessive RPE65 retinopathy. Identifiers: MedGen CN305526, MONDO:0100368.

Submission:

Myriad Genetics, Inc.
Classification: Pathogenic for RPE65-related recessive retinopathy. Last evaluated: 2024-05-14. Review status: criteria provided, single submitter. Criteria: Myriad Autosomal Dominant, Autosomal Recessive and X-Linked Classification Criteria (2023). Collection method: clinical testing. Allele origin: unknown.
Comment: NM_000329.2(RPE65):c.289dupA(R97Kfs*34) is expected to be pathogenic in the context of inherited retinal dystrophy, RPE65-related. This variant is predicted to lead to an abnormal or absent protein product due to the creation of a premature termination codon in RPE65, a gene where loss-of-function variants are known to be pathogenic. Please note: this variant was assessed in the context of healthy population screening.